The following is an entry in ClinVar:

NM_000326.5(RLBP1):c.16G>A (p.Gly6Ser)

Gene: RLBP1 (retinaldehyde binding protein 1; minus strand). Cytogenetic location: 15q26.1.
Variant type: single nucleotide variant.
Coding change: c.16G>A on transcript NM_000326.5 (MANE Select); coding-DNA position 16, G replaced by A.
Protein change: p.Gly6Ser; replaces glycine 6 with serine.
Molecular consequence: missense variant.
Genome position (GRCh38, 1-based): chr15:89,218,690, C>T on the plus strand (G>A on the coding strand, the complement: RLBP1 is on the minus strand). VCF-style: chr15-89218690-C-T. GRCh37 (hg19) VCF-style: chr15-89761921-C-T.
Other names: short protein forms G6S.
Identifiers: ClinVar variation 2082636 (VCV002082636.4), dbSNP rs2505865278, ClinGen allele CA393731920.

ClinVar aggregate classification (germline): Uncertain significance (1 of 4 stars; one submission).

Allele frequency attached by ClinVar (database versions not stated): gnomAD exomes below 0.00001.
gnomAD v4.1: 1 of 1,614,106 alleles (0.000062%); highest among the groups gnomAD compares: African/African-American, 0.0013%; no homozygotes.

Submission:

Labcorp Genetics (formerly Invitae), Labcorp
Classification: Uncertain significance. Last evaluated: 2022-11-15. Review status: criteria provided, single submitter. Criteria: Invitae Variant Classification Sherloc (09022015). Collection method: clinical testing. Allele origin: germline.
Comment: In summary, the available evidence is currently insufficient to determine the role of this variant in disease. Therefore, it has been classified as a Variant of Uncertain Significance. Algorithms developed to predict the effect of missense changes on protein structure and function are either unavailable or do not agree on the potential impact of this missense change (SIFT: "Deleterious"; PolyPhen-2: "Probably Damaging"; Align-GVGD: "Class C0"). This variant has not been reported in the literature in individuals affected with RLBP1-related conditions. This variant is not present in population databases (gnomAD no frequency). This sequence change replaces glycine, which is neutral and non-polar, with serine, which is neutral and polar, at codon 6 of the RLBP1 protein (p.Gly6Ser).